The following is an entry in ClinVar:

NM_001267550.2(TTN):c.66590G>A (p.Arg22197Gln)

Genes: TTN (titin; minus strand), TTN-AS1 (TTN antisense RNA 1; plus strand). Cytogenetic location: 2q31.2.
Variant type: single nucleotide variant.
Coding change: c.66590G>A on transcript NM_001267550.2 (MANE Select); coding-DNA position 66590, G replaced by A.
Protein change: p.Arg22197Gln; replaces arginine 22197 with glutamine.
Molecular consequence: missense variant.
Genome position (GRCh38, 1-based): chr2:178,581,678, C>T on the plus strand (G>A on the coding strand, the complement: TTN is on the minus strand). VCF-style: chr2-178581678-C-T. GRCh37 (hg19) VCF-style: chr2-179446405-C-T.
Other names: p.R20556Q:CGG>CAG; c.39770G>A, p.Arg13257Gln (NM_133432.3); c.39971G>A, p.Arg13324Gln (NM_133437.4); c.61667G>A, p.Arg20556Gln (NM_001256850.1); c.39395G>A, p.Arg13132Gln (NM_003319.4); c.58886G>A, p.Arg19629Gln (NM_133378.4); short protein forms R19629Q, R22197Q, R20556Q, R13132Q, R13257Q, R13324Q.
Identifiers: ClinVar variation 165886 (VCV000165886.61), dbSNP rs374656017, ClinGen allele CA178589.

ClinVar aggregate classification (germline): Conflicting classifications of pathogenicity. Review status: criteria provided, conflicting classifications (1 of 4 stars). 8 submissions from 8 submitters: Uncertain significance (5); Likely benign (3). Last evaluated 2025-04-09.

Conditions:
Cardiovascular phenotype. Identifiers: MedGen CN230736.

Allele frequency attached by ClinVar (database versions not stated): gnomAD exomes 0.00005 and 0.00010; ExAC 0.00008; ESP Exome Variant Server 0.00008; gnomAD 0.00014 and 0.00015; TOPMed 0.00015.
gnomAD v4.1: 103 of 1,612,470 alleles (0.0064%); highest among the groups gnomAD compares: East Asian, 0.065%; 1 homozygote.

Submissions (8):

Molecular Diagnostic Laboratory for Inherited Cardiovascular Disease, Montreal Heart Institute
Classification: Likely benign. Last evaluated: 2025-04-09. Review status: criteria provided, single submitter. Criteria: ACMG Guidelines, 2015. Collection method: clinical testing. Allele origin: germline. Affected: no.

Blueprint Genetics
Classification: Likely benign. Last evaluated: 2023-10-19. Review status: criteria provided, single submitter. Criteria: ACMG Guidelines, 2015. Collection method: clinical testing. Allele origin: germline.

Revvity Omics, Revvity
Classification: Uncertain significance. Last evaluated: 2023-04-27. Review status: criteria provided, single submitter. Criteria: ACMG Guidelines, 2015. Collection method: clinical testing. Allele origin: germline.

CeGaT Center for Human Genetics Tuebingen
Classification: Uncertain significance. Last evaluated: 2021-12-01. Review status: criteria provided, single submitter. Criteria: CeGaT Center For Human Genetics Tuebingen Variant Classification Criteria Version 2. Collection method: clinical testing. Allele origin: germline. Affected: yes. Observed: 1 variant allele.

GeneDx
Classification: Likely benign. Last evaluated: 2020-02-07. Review status: criteria provided, single submitter. Criteria: GeneDx Variant Classification Process June 2021. Collection method: clinical testing. Allele origin: germline. Affected: yes.

Ambry Genetics
Classification: Uncertain significance for Cardiovascular phenotype. Last evaluated: 2015-11-20. Review status: criteria provided, single submitter. Criteria: Ambry Variant Classification Scheme 2023. Collection method: clinical testing. Allele origin: germline.
Comment: The p.R13132Q variant (also known as c.39395G>A), located in coding exon 143 of the TTN gene, results from a G to A substitution at nucleotide position 39395. The arginine at codon 13132 is replaced by glutamine, an amino acid with highly similar properties. This variant was previously reported in the SNPDatabase as rs374656017. Based on data from the NHLBI Exome Sequencing Project (ESP), the A allele has an overall frequency of approximately 0.01% (1/12236) total alleles studied, having been observed in 0.03% (1/3960) African American alleles. This amino acid position is highly conserved in available vertebrate species. In addition, this alteration is predicted to be tolerated by in silico analysis. Since supporting evidence is limited at this time, the clinical significance of this variant remains unclear.

Eurofins Ntd Llc (ga)
Classification: Uncertain significance. Last evaluated: 2014-12-09. Review status: criteria provided, single submitter. Criteria: EGL Classification Definitions 2015. Collection method: clinical testing. Allele origin: germline. Observed: 2 variant alleles, 2 heterozygotes.

Laboratory for Molecular Medicine, Mass General Brigham Personalized Medicine
Classification: Uncertain significance. Last evaluated: 2013-04-03. Review status: criteria provided, single submitter. Criteria: LMM Criteria. Collection method: clinical testing. Allele origin: germline. Observed: 1 variant allele.
Comment: The Arg19629Gln variant in TTN has not been reported in the literature nor previ ously identified by our laboratory. This variant has been identified in 1/3960 A frican American chromosomes by the NHLBI Exome Sequencing Project (.). Computational analyses (biochemical amino acid properties , conservation, AlignGVGD, PolyPhen2, and SIFT) do not provide strong support fo r or against an impact to the protein. Additional information is needed to fully assess the clinical significance of this variant.